The following is an entry in ClinVar:

ClinVar aggregate classification (germline): Uncertain significance (1 of 4 stars; one submission).

Conditions:
Focal segmental glomerulosclerosis 5 (FSGS5). Identifiers: Orphanet 656, MedGen C2750475, MONDO:0013191, OMIM 613237.
Charcot-Marie-Tooth disease dominant intermediate E. Also called: CHARCOT-MARIE-TOOTH NEUROPATHY WITH FOCAL SEGMENTAL GLOMERULONEPHRITIS. Identifiers: Orphanet 93114, MedGen C4302667, MONDO:0013758, OMIM 614455.

gnomAD v4.1: 1 of 1,611,634 alleles (0.000062%); highest among the groups gnomAD compares: Non-Finnish European, 0.000085%; no homozygotes.

Submission:

Labcorp Genetics (formerly Invitae), Labcorp
Classification: Uncertain significance for Charcot-Marie-Tooth disease dominant intermediate E; Focal segmental glomerulosclerosis 5. Last evaluated: 2025-10-11. Review status: criteria provided, single submitter. Criteria: Invitae Variant Classification Sherloc (09022015). Collection method: clinical testing. Allele origin: germline.
Comment: This sequence change falls in intron 12 of the INF2 gene. It does not directly change the encoded amino acid sequence of the INF2 protein. It affects a nucleotide within the consensus splice site. This variant is not present in population databases (gnomAD no frequency). This variant has not been reported in the literature in individuals affected with INF2-related conditions. Variants that disrupt the consensus splice site are a relatively common cause of aberrant splicing (PMID: 17576681, 9536098). Algorithms developed to predict the effect of sequence changes on RNA splicing suggest that this variant is not likely to affect RNA splicing. In summary, the available evidence is currently insufficient to determine the role of this variant in disease. Therefore, it has been classified as a Variant of Uncertain Significance.

Literature cited by the submitters: PubMed 17576681; PubMed 9536098.

NM_022489.4(INF2):c.2138+6C>A

Gene: INF2 (inverted formin 2; plus strand). Cytogenetic location: 14q32.33.
Variant type: single nucleotide variant.
Coding change: c.2138+6C>A on transcript NM_022489.4 (MANE Select); 6 bases into the intron after coding-DNA position 2138, C replaced by A.
Molecular consequence: intron variant.
Genome position (GRCh38, 1-based): chr14:104,709,711, C>A. VCF-style: chr14-104709711-C-A. GRCh37 (hg19) VCF-style: chr14-105176048-C-A.
Other names: c.2138+6C>A (NM_001426863.1, NM_001426865.1, NM_001426864.1 and 2 more transcripts).
Identifiers: ClinVar variation 4792221 (VCV004792221.1).
Genomic context (GRCh38, chr14:104,709,711, plus strand): 5'-GAGCCAAGCTGGCCAGCGCCGACCACTTCTACCTCCTCCTGCTGGCCATTCCCTGGTGAG[C>A]ATGGCCGCCCTCAGACCCCAGGGCCTGGGCCCCAGGTGGGAGGAGAGCAGGAATAGGGAG-3'